The following is an entry in ClinVar:

ClinVar aggregate classification (germline): Conflicting classifications of pathogenicity. Review status: criteria provided, conflicting classifications (1 of 4 stars). 3 submissions from 3 submitters: Likely pathogenic (1); Uncertain significance (2). Last evaluated 2024-02-02.

Conditions:
Early-infantile DEE. Also called: Ohtahara syndrome; Early infantile epileptic encephalopathy; Early infantile epileptic encephalopathy with suppression bursts. Identifiers: Orphanet 1934, MedGen C0393706, MONDO:0800491.
Inborn genetic diseases. Identifiers: MedGen C0950123, MeSH D030342.

Allele frequency attached by ClinVar (database versions not stated): gnomAD exomes below 0.00001.
gnomAD v4.1: 1 of 1,613,820 alleles (0.000062%); highest among the groups gnomAD compares: Non-Finnish European, 0.000085%; no homozygotes.

Submissions (3):

GeneDx
Classification: Likely pathogenic. Last evaluated: 2024-02-02. Review status: criteria provided, single submitter. Criteria: GeneDx Variant Classification Process June 2021. Collection method: clinical testing. Allele origin: germline. Affected: yes.
Comment: Observed in a patient from a cohort of individuals with epilepsy and neurodevelopmental disorders (PMID: 29655203); Not observed at significant frequency in large population cohorts (gnomAD); In silico analysis supports that this missense variant has a deleterious effect on protein structure/function; This variant is associated with the following publications: (PMID: 29655203)

Labcorp Genetics (formerly Invitae), Labcorp
Classification: Uncertain significance for Early-infantile DEE. Last evaluated: 2023-05-23. Review status: criteria provided, single submitter. Criteria: Invitae Variant Classification Sherloc (09022015). Collection method: clinical testing. Allele origin: germline.
Comment: This missense change has been observed in individual(s) with epilepsy and/or neurodevelopmental disorder (PMID: 29655203). In summary, the available evidence is currently insufficient to determine the role of this variant in disease. Therefore, it has been classified as a Variant of Uncertain Significance. Advanced modeling of protein sequence and biophysical properties (such as structural, functional, and spatial information, amino acid conservation, physicochemical variation, residue mobility, and thermodynamic stability) performed at Invitae indicates that this missense variant is expected to disrupt SCN1A protein function. ClinVar contains an entry for this variant (Variation ID: 206943). This variant is not present in population databases (gnomAD no frequency). This sequence change replaces glycine, which is neutral and non-polar, with serine, which is neutral and polar, at codon 1711 of the SCN1A protein (p.Gly1711Ser).

Ambry Genetics
Classification: Uncertain significance for Inborn genetic diseases. Last evaluated: 2018-11-10. Review status: criteria provided, single submitter. Criteria: Ambry Variant Classification Scheme 2023. Collection method: clinical testing. Allele origin: germline.
Comment: The p.G1711S variant (also known as c.5131G>A), located in coding exon 26 of the SCN1A gene, results from a G to A substitution at nucleotide position 5131. The glycine at codon 1711 is replaced by serine, an amino acid with similar properties. This amino acid position is well conserved in available vertebrate species. In addition, this alteration is predicted to be deleterious by in silico analysis. Since supporting evidence is limited at this time, the clinical significance of this alteration remains unclear.

Literature cited by the submitters: PubMed 29655203 (cited by Labcorp Genetics (formerly Invitae), Labcorp).

NM_001165963.4(SCN1A):c.5131G>A (p.Gly1711Ser)

Genes: SCN1A (sodium voltage-gated channel alpha subunit 1; minus strand), LOC102724058 (uncharacterized LOC102724058; plus strand). Cytogenetic location: 2q24.3.
Variant type: single nucleotide variant.
Coding change: c.5131G>A on transcript NM_001165963.4 (MANE Select); coding-DNA position 5131, G replaced by A.
Protein change: p.Gly1711Ser; replaces glycine 1711 with serine.
Molecular consequence: missense variant. On other transcripts: non-coding transcript variant (1).
Genome position (GRCh38, 1-based): chr2:165,992,144, C>T on the plus strand (G>A on the coding strand, the complement: SCN1A is on the minus strand). VCF-style: chr2-165992144-C-T. GRCh37 (hg19) VCF-style: chr2-166848654-C-T.
Other names: p.G1711S:GGC>AGC; c.5047G>A, p.Gly1683Ser (NM_001165964.3, NM_001353957.2, NM_001353958.2); c.5131G>A, p.Gly1711Ser (NM_001202435.3, NM_001353948.2); c.5098G>A, p.Gly1700Ser (NM_001353949.2, NM_001353950.2, NM_001353951.2 and 2 more transcripts); c.5095G>A, p.Gly1699Ser (NM_001353954.2, NM_001353955.2); c.5044G>A, p.Gly1682Ser (NM_001353960.2); c.2689G>A, p.Gly897Ser (NM_001353961.2); short protein forms G1700S, G1711S, G1683S, G1682S, G1699S, G897S.
Identifiers: ClinVar variation 206943 (VCV000206943.14), dbSNP rs796053098, ClinGen allele CA317808.